The following is an entry in ClinVar:

ClinVar aggregate classification (germline): Conflicting classifications of pathogenicity. Review status: criteria provided, conflicting classifications (1 of 4 stars). 5 submissions from 5 submitters: Uncertain significance (1); Benign (1); Likely benign (3). Last evaluated 2025-06-23.

Conditions:
Familial adenomatous polyposis 1 (FAP1). Also called: FAMILIAL ADENOMATOUS POLYPOSIS 1, ATTENUATED; POLYPOSIS, ADENOMATOUS INTESTINAL. Identifiers: MedGen C2713442, MONDO:0021056, OMIM 175100. Disease mechanism: loss of function.
Hereditary cancer-predisposing syndrome. Also called: Neoplastic Syndromes, Hereditary; Tumor predisposition; Hereditary neoplastic syndrome; Hereditary Cancer Syndrome. Identifiers: Orphanet 140162, MedGen C0027672, MeSH D009386, MONDO:0015356.

Submissions (5):

Color Diagnostics, LLC DBA Color Health
Classification: Likely benign for Hereditary cancer-predisposing syndrome. Last evaluated: 2025-06-23. Review status: criteria provided, single submitter. Criteria: ACMG Guidelines, 2015. Collection method: clinical testing. Allele origin: germline.

Labcorp Genetics (formerly Invitae), Labcorp
Classification: Likely benign for Familial adenomatous polyposis 1. Last evaluated: 2025-01-29. Review status: criteria provided, single submitter. Criteria: Invitae Variant Classification Sherloc (09022015). Collection method: clinical testing. Allele origin: germline.

Myriad Genetics, Inc.
Classification: Benign for Familial adenomatous polyposis 1. Last evaluated: 2024-03-26. Review status: criteria provided, single submitter. Criteria: Myriad Autosomal Dominant, Autosomal Recessive and X-Linked Classification Criteria (2023). Collection method: clinical testing. Allele origin: unknown.
Comment: This variant is considered benign. This variant is a silent/synonymous amino acid change and it is not expected to impact splicing.

Quest Diagnostics Nichols Institute San Juan Capistrano
Classification: Uncertain significance. Last evaluated: 2023-02-01. Review status: criteria provided, single submitter. Criteria: Quest Diagnostics criteria. Collection method: clinical testing. Allele origin: unknown.
Comment: To the best of our knowledge, the variant has not been reported in the published literature. It also has not been reported in large, multi-ethnic general populations. Analysis of this variant using software algorithms for the prediction of the effect of nucleotide changes on splicing yielded predictions that this variant does not affect APC mRNA splicing . Based on the available information, we are unable to determine the clinical significance of this variant.

Ambry Genetics
Classification: Likely benign for Hereditary cancer-predisposing syndrome. Last evaluated: 2019-06-09. Review status: criteria provided, single submitter. Criteria: Ambry Variant Classification Scheme 2023. Collection method: clinical testing. Allele origin: germline.

NM_000038.6(APC):c.4248C>T (p.Gly1416=)

Gene: APC (APC regulator of Wnt signaling pathway; plus strand). Cytogenetic location: 5q22.2.
Variant type: single nucleotide variant.
Coding change: c.4248C>T on transcript NM_000038.6 (MANE Select); coding-DNA position 4248, C replaced by T.
Protein change: p.Gly1416=; no amino-acid change (glycine 1416 retained).
Molecular consequence: synonymous variant.
Genome position (GRCh38, 1-based): chr5:112,839,842, C>T. VCF-style: chr5-112839842-C-T. GRCh37 (hg19) VCF-style: chr5-112175539-C-T.
Other names: c.4248C>T, p.Gly1416= (NM_001127510.3, NM_001354895.2); c.4194C>T, p.Gly1398= (NM_001127511.3); c.4302C>T, p.Gly1434= (NM_001354896.2); c.4278C>T, p.Gly1426= (NM_001354897.2); c.4173C>T, p.Gly1391= (NM_001354898.2); c.4164C>T, p.Gly1388= (NM_001354899.2); c.4125C>T, p.Gly1375= (NM_001354900.2); c.4071C>T, p.Gly1357= (NM_001354901.2); and 5 more.
Identifiers: ClinVar variation 568104 (VCV000568104.14), dbSNP rs1561590899, ClinGen allele CA445964247.
Genomic context (GRCh38, chr5:112,839,842, plus strand): 5'-TGAGAGTCGTTCGATTGCCAGCTCCGTTCAGAGTGAACCATGCAGTGGAATGGTAAGTGG[C>T]ATTATAAGCCCCAGTGATCTTCCAGATAGCCCTGGACAAACCATGCCACCAAGCAGAAGT-3'
Protein context (NP_000029.2, residues 1406-1426): QSEPCSGMVS[Gly1416=]IISPSDLPDS